The following is an entry in ClinVar:

ClinVar aggregate classification (germline): Pathogenic (1 of 4 stars; one submission).

gnomAD v4.1: 1 of 1,585,442 alleles (0.000063%); highest among the groups gnomAD compares: Non-Finnish European, 0.000087%; no homozygotes.

Submission:

Labcorp Genetics (formerly Invitae), Labcorp
Classification: Pathogenic. Last evaluated: 2024-06-06. Review status: criteria provided, single submitter. Criteria: Invitae Variant Classification Sherloc (09022015). Collection method: clinical testing. Allele origin: germline.
Comment: This sequence change creates a premature translational stop signal (p.Glu88*) in the CCBE1 gene. It is expected to result in an absent or disrupted protein product. Loss-of-function variants in CCBE1 are known to be pathogenic (PMID: 19935664, 21778431, 26686525). This variant is not present in population databases (gnomAD no frequency). This variant has not been reported in the literature in individuals affected with CCBE1-related conditions. For these reasons, this variant has been classified as Pathogenic.

Literature cited by the submitters: PubMed 19935664; PubMed 21778431; PubMed 26686525.

NM_133459.4(CCBE1):c.262G>T (p.Glu88Ter)

Gene: CCBE1 (collagen and calcium binding EGF domains 1; minus strand). Cytogenetic location: 18q21.32.
Variant type: single nucleotide variant.
Coding change: c.262G>T on transcript NM_133459.4 (MANE Select); coding-DNA position 262, G replaced by T.
Protein change: p.Glu88Ter; replaces glutamic acid 88 with a stop codon.
Molecular consequence: nonsense.
Genome position (GRCh38, 1-based): chr18:59,480,189, C>A on the plus strand (G>T on the coding strand, the complement: CCBE1 is on the minus strand). VCF-style: chr18-59480189-C-A. GRCh37 (hg19) VCF-style: chr18-57147421-C-A.
Other names: short protein forms E88*.
Identifiers: ClinVar variation 3670927 (VCV003670927.2).